The following is an entry in ClinVar:

NM_024408.4(NOTCH2):c.6756T>C (p.Asp2252=)

Gene: NOTCH2 (notch receptor 2; minus strand). Cytogenetic location: 1p12.
Variant type: single nucleotide variant.
Coding change: c.6756T>C on transcript NM_024408.4 (MANE Select); coding-DNA position 6756, T replaced by C.
Protein change: p.Asp2252=; no amino-acid change (aspartic acid 2252 retained).
Molecular consequence: synonymous variant.
Genome position (GRCh38, 1-based): chr1:119,915,966, A>G on the plus strand (T>C on the coding strand, the complement: NOTCH2 is on the minus strand). VCF-style: chr1-119915966-A-G. GRCh37 (hg19) VCF-style: chr1-120458589-A-G.
Identifiers: ClinVar variation 3029325 (VCV003029325.4), dbSNP rs757326375, ClinGen allele CA1039383.

ClinVar aggregate classification (germline): Likely benign. Review status: criteria provided, single submitter (1 of 4 stars). 2 submissions from 2 submitters: Likely benign (1). 1 of the submissions does not count toward it. Last evaluated 2025-07-22.

Conditions:
Hajdu-Cheney syndrome (HJCYS). Also called: SERPENTINE FIBULA-POLYCYSTIC KIDNEY SYNDROME; Acroosteolysis dominant type; ACROOSTEOLYSIS WITH OSTEOPOROSIS AND CHANGES IN SKULL AND MANDIBLE. Identifiers: Orphanet 955, MedGen C0917715, MONDO:0007057, OMIM 102500.
NOTCH2-related disorder. Also called: NOTCH2-related condition.

Allele frequency attached by ClinVar (database versions not stated): gnomAD exomes 0.00003; TOPMed 0.00002; ExAC 0.00002.
gnomAD v4.1: 41 of 1,614,078 alleles (0.0025%); highest among the groups gnomAD compares: Non-Finnish European, 0.0033%; no homozygotes.

Submissions (2):

Labcorp Genetics (formerly Invitae), Labcorp
Classification: Likely benign for Hajdu-Cheney syndrome. Last evaluated: 2025-07-22. Review status: criteria provided, single submitter. Criteria: Invitae Variant Classification Sherloc (09022015). Collection method: clinical testing. Allele origin: germline.

PreventionGenetics, part of Exact Sciences
Classification: Likely benign for NOTCH2-related condition. Last evaluated: 2023-11-01. Review status: no assertion criteria provided. Collection method: clinical testing. Allele origin: germline. Not counted in ClinVar's aggregate classification.
Comment: This variant is classified as likely benign based on ACMG/AMP sequence variant interpretation guidelines (Richards et al. 2015 PMID: 25741868, with internal and published modifications).